The following is an entry in ClinVar:

NM_000169.3(GLA):c.614C>G (p.Pro205Arg)

Genes: GLA (galactosidase alpha; minus strand), RPL36A-HNRNPH2 (RPL36A-HNRNPH2 readthrough; plus strand). Cytogenetic location: Xq22.1.
Variant type: single nucleotide variant.
Coding change: c.614C>G on transcript NM_000169.3 (MANE Select); coding-DNA position 614, C replaced by G.
Protein change: p.Pro205Arg; replaces proline 205 with arginine.
Molecular consequence: missense variant. On other transcripts: non-coding transcript variant (2), intron variant (2).
Genome position (GRCh38, 1-based): chrX:101,400,691, G>C on the plus strand (C>G on the coding strand, the complement: GLA is on the minus strand). VCF-style: chrX-101400691-G-C. GRCh37 (hg19) VCF-style: chrX-100655679-G-C.
Other names: c.737C>G, p.Pro246Arg (NM_001406747.1); c.614C>G, p.Pro205Arg (NM_001406748.1); c.300+5234G>C (NM_001199973.2); c.177+8869G>C (NM_001199974.2); short protein forms P205R, P246R.
Identifiers: ClinVar variation 4087435 (VCV004087435.2).

ClinVar aggregate classification (germline): Pathogenic (1 of 4 stars; one submission).

Conditions:
Fabry disease. Also called: ALPHA-GALACTOSIDASE A DEFICIENCY; ANDERSON-FABRY DISEASE; CERAMIDE TRIHEXOSIDASE DEFICIENCY; GLA DEFICIENCY; HEREDITARY DYSTOPIC LIPIDOSIS; Angiokeratoma corporis diffusum. Identifiers: Orphanet 324, MedGen C0002986, MONDO:0010526, OMIM 301500, HP:0001071. Disease mechanism: Fabry disease is due to inactivating mutations in the X-linked GLA gene resulting in deficiency of the enzyme Alpha Galactosidase-A., loss of function.

Submission:

Genomenon, Inc
Classification: Pathogenic for Fabry disease. Last evaluated: 2026-09-08. Review status: criteria provided, single submitter. Criteria: Genomenon Sequence Variant Interpretation Standards - Updated. Collection method: curation. Allele origin: germline. Affected: yes.
Comment: GLA p.Pro205Arg (c.614C>G) is a missense variant that changes the amino acid at codon 205 from Proline to Arginine. This variant has been observed in at least one proband with clinical features consistent with Fabry disease (PMID:36140787;12175777). The variant was found to segregate with disease in at least one affected family (PMID:36140787). At least one functional study has demonstrated a substantial alteration in protein function relative to the wild-type (PMID:21598360;27657681). This variant is located in a mutational hotspot and/or important functional domain. It is absent or not present at a significant frequency in gnomAD. In silico models predict that this variant is possibly or probably damaging. In conclusion, we classify GLA p.Pro205Arg (c.614C>G) as a pathogenic variant.

Literature cited by the submitters: PubMed 36140787; PubMed 12175777; PubMed 21598360; PubMed 27657681.